The following is an entry in ClinVar:

ClinVar aggregate classification (germline): Uncertain significance (1 of 4 stars; one submission).

Conditions:
Nephronophthisis 9 (NPHP9). Identifiers: Orphanet 655, MedGen C3151188, MONDO:0013444, OMIM 613824.

Submission:

Labcorp Genetics (formerly Invitae), Labcorp
Classification: Uncertain significance for Nephronophthisis 9. Last evaluated: 2025-12-01. Review status: criteria provided, single submitter. Criteria: Invitae Variant Classification Sherloc (09022015). Collection method: clinical testing. Allele origin: germline.
Comment: This sequence change replaces isoleucine, which is neutral and non-polar, with methionine, which is neutral and non-polar, at codon 31 of the NEK8 protein (p.Ile31Met). This variant is not present in population databases (gnomAD no frequency). This variant has not been reported in the literature in individuals affected with NEK8-related conditions. An algorithm developed to predict the effect of missense changes on protein structure and function (PolyPhen-2) suggests that this variant is likely to be disruptive. In summary, the available evidence is currently insufficient to determine the role of this variant in disease. Therefore, it has been classified as a Variant of Uncertain Significance.

NM_178170.3(NEK8):c.93C>G (p.Ile31Met)

Gene: NEK8 (NIMA related kinase 8; plus strand). Cytogenetic location: 17q11.2.
Variant type: single nucleotide variant.
Coding change: c.93C>G on transcript NM_178170.3 (MANE Select); coding-DNA position 93, C replaced by G.
Protein change: p.Ile31Met; replaces isoleucine 31 with methionine.
Molecular consequence: missense variant.
Genome position (GRCh38, 1-based): chr17:28,734,028, C>G. VCF-style: chr17-28734028-C-G. GRCh37 (hg19) VCF-style: chr17-27061046-C-G.
Other names: short protein forms I31M.
Identifiers: ClinVar variation 4752054 (VCV004752054.1).
Genomic context (GRCh38, chr17:28,734,028, plus strand): 5'-CCTCCGTATCCCTAGGATTGTGCACCTGTGCCTGCGAAAGGCTGACCAGAAGCTGGTGAT[C>G]ATCAAGCAGATTCCAGTGGAACAGATGACCAAGGAAGAGCGGCAGGCAGCCCAGAATGAG-3'
Protein context (NP_835464.1, residues 21-41): CLRKADQKLV[Ile31Met]IKQIPVEQMT